The following is an entry in ClinVar:

NM_000363.5(TNNI3):c.603G>A (p.Met201Ile)

Gene: TNNI3 (troponin I3, cardiac type; minus strand). Cytogenetic location: 19q13.42.
Variant type: single nucleotide variant.
Coding change: c.603G>A on transcript NM_000363.5 (MANE Select); coding-DNA position 603, G replaced by A.
Protein change: p.Met201Ile; replaces methionine 201 with isoleucine.
Molecular consequence: missense variant.
Genome position (GRCh38, 1-based): chr19:55,151,864, C>T on the plus strand (G>A on the coding strand, the complement: TNNI3 is on the minus strand). VCF-style: chr19-55151864-C-T. GRCh37 (hg19) VCF-style: chr19-55663232-C-T.
Other names: short protein forms M201I.
Identifiers: ClinVar variation 3660883 (VCV003660883.2).

ClinVar aggregate classification (germline): Uncertain significance (1 of 4 stars; one submission).

Conditions:
Hypertrophic cardiomyopathy. Also called: HYPERTROPHIC MYOCARDIOPATHY. Identifiers: Orphanet 217569, MedGen C0007194, MeSH D002312, MONDO:0005045, HP:0001639.

gnomAD v4.1: 3 of 1,614,174 alleles (0.00019%); highest among the groups gnomAD compares: Non-Finnish European, 0.00025%; no homozygotes.

Submission:

Labcorp Genetics (formerly Invitae), Labcorp
Classification: Uncertain significance for Hypertrophic cardiomyopathy. Last evaluated: 2024-07-30. Review status: criteria provided, single submitter. Criteria: Invitae Variant Classification Sherloc (09022015). Collection method: clinical testing. Allele origin: germline.
Comment: This sequence change replaces methionine, which is neutral and non-polar, with isoleucine, which is neutral and non-polar, at codon 201 of the TNNI3 protein (p.Met201Ile). This variant is not present in population databases (gnomAD no frequency). This variant has not been reported in the literature in individuals affected with TNNI3-related conditions. An algorithm developed to predict the effect of missense changes on protein structure and function (PolyPhen-2) suggests that this variant is likely to be disruptive. In summary, the available evidence is currently insufficient to determine the role of this variant in disease. Therefore, it has been classified as a Variant of Uncertain Significance.